The following is an entry in ClinVar:

NM_001277313.2(FMN1):c.1696G>A (p.Val566Ile)

Gene: FMN1 (formin 1; minus strand). Cytogenetic location: 15q13.3.
Variant type: single nucleotide variant.
Coding change: c.1696G>A on transcript NM_001277313.2 (MANE Select); coding-DNA position 1696, G replaced by A.
Protein change: p.Val566Ile; replaces valine 566 with isoleucine.
Molecular consequence: missense variant.
Genome position (GRCh38, 1-based): chr15:33,153,219, C>T on the plus strand (G>A on the coding strand, the complement: FMN1 is on the minus strand). VCF-style: chr15-33153219-C-T. GRCh37 (hg19) VCF-style: chr15-33445420-C-T.
Other names: c.1696G>A, p.Val566Ile (NM_001277314.2); short protein forms V566I.
Identifiers: ClinVar variation 2722799 (VCV002722799.3), dbSNP rs1426389197, ClinGen allele CA391907062.

ClinVar aggregate classification (germline): Uncertain significance (1 of 4 stars; one submission).

Allele frequency attached by ClinVar (database versions not stated): gnomAD 0.00001; gnomAD exomes 0.00001; TOPMed 0.00003.
gnomAD v4.1: 13 of 1,535,920 alleles (0.00085%); highest among the groups gnomAD compares: Admixed American, 0.0098%; no homozygotes.

Submission:

Labcorp Genetics (formerly Invitae), Labcorp
Classification: Uncertain significance. Last evaluated: 2022-12-09. Review status: criteria provided, single submitter. Criteria: Invitae Variant Classification Sherloc (09022015). Collection method: clinical testing. Allele origin: germline.
Comment: This variant has not been reported in the literature in individuals affected with FMN1-related conditions. The FMN1 gene has multiple clinically relevant transcripts. This variant occurs in alternate transcript NM_001277314.1, and corresponds to NM_001103184.3:c.-85335G>A in the primary transcript. This sequence change replaces valine, which is neutral and non-polar, with isoleucine, which is neutral and non-polar, at codon 566 of the FMN1 protein (p.Val566Ile). This variant is present in population databases (no rsID available, gnomAD 0.01%). Experimental studies and prediction algorithms are not available or were not evaluated, and the functional significance of this variant is currently unknown. In summary, the available evidence is currently insufficient to determine the role of this variant in disease. Therefore, it has been classified as a Variant of Uncertain Significance.